The following is an entry in ClinVar:

NC_000016.9:g.(?_150350)_(150527_?)dup

Gene: NPRL3 (NPR3 like, GATOR1 complex subunit; minus strand). Cytogenetic location: 16p13.3.
Variant type: Duplication.
Identifiers: ClinVar variation 2423614 (VCV002423614.3).

ClinVar aggregate classification (germline): Uncertain significance (1 of 4 stars; one submission).

Conditions:
Epilepsy, familial focal, with variable foci 3 (FFEVF3). Identifiers: MedGen C4310708, MONDO:0014925, OMIM 617118.

Submission:

Labcorp Genetics (formerly Invitae), Labcorp
Classification: Uncertain significance for Epilepsy, familial focal, with variable foci 3. Last evaluated: 2022-09-08. Review status: criteria provided, single submitter. Criteria: Invitae Variant Classification Sherloc (09022015). Collection method: clinical testing. Allele origin: germline.
Comment: This variant results in a copy number gain of the genomic region encompassing exon(s) 8 of the NPRL3 gene. While the exact position of this variant cannot be determined from the data, sub-genic copy number gains are generally in tandem (PMID: 25640679). This variant is predicted to be in-frame, and likely preserves the integrity of the reading frame. A similar copy number variant has been observed in individuals with clinical features of NPRL3-related conditions (Invitae). In summary, the available evidence is currently insufficient to determine the role of this variant in disease. Therefore, it has been classified as a Variant of Uncertain Significance.

Literature cited by the submitters: PubMed 25640679.